The following is an entry in ClinVar:

ClinVar aggregate classification (germline): Conflicting classifications of pathogenicity. Review status: criteria provided, conflicting classifications (1 of 4 stars). 3 submissions from 3 submitters: Uncertain significance (2); Likely benign (1). Last evaluated 2026-01-14.

Conditions:
Inborn genetic diseases. Identifiers: MedGen C0950123, MeSH D030342.
Deafness-lymphedema-leukemia syndrome. Also called: Lymphedema, primary, with myelodysplasia; Emberger syndrome. Identifiers: Orphanet 3226, MedGen C3279664, MONDO:0013540, OMIM 614038.
Monocytopenia with susceptibility to infections. Also called: MONOCYTOPENIA AND MYCOBACTERIAL INFECTION SYNDROME; MONOCYTOPENIA WITH SUSCEPTIBILITY TO MYCOBACTERIAL, FUNGAL, AND PAPILLOMAVIRUS INFECTIONS AND MYELODYSPLASIA; COMBINED IMMUNODEFICIENCY WITH SUSCEPTIBILITY TO MYCOBACTERIAL, VIRAL, AND FUNGAL INFECTIONS; Dendritic cell, monocyte, B lymphocyte, and natural killer lymphocyte deficiency; IMMUNODEFICIENCY 21; GATA2 DEFICIENCY. Identifiers: Orphanet 228423, MedGen C3280030, MONDO:0013607, OMIM 614172.

Allele frequency attached by ClinVar (database versions not stated): gnomAD exomes 0.00002; gnomAD below 0.00001; TOPMed below 0.00001.
gnomAD v4.1: 27 of 1,591,316 alleles (0.0017%); highest among the groups gnomAD compares: South Asian, 0.022%; no homozygotes.

Submissions (3):

GeneDx
Classification: Uncertain significance. Last evaluated: 2026-01-14. Review status: criteria provided, single submitter. Criteria: GeneDx Variant Classification Process June 2021. Collection method: clinical testing. Allele origin: germline. Affected: yes.
Comment: In silico analysis indicates that this missense variant does not alter protein structure/function; Has not been previously published as pathogenic or benign to our knowledge

Labcorp Genetics (formerly Invitae), Labcorp
Classification: Uncertain significance for Monocytopenia with susceptibility to infections; Deafness-lymphedema-leukemia syndrome. Last evaluated: 2026-01-04. Review status: criteria provided, single submitter. Criteria: Invitae Variant Classification Sherloc (09022015). Collection method: clinical testing. Allele origin: germline.
Comment: This sequence change replaces proline, which is neutral and non-polar, with leucine, which is neutral and non-polar, at codon 472 of the GATA2 protein (p.Pro472Leu). This variant is present in population databases (rs779338723, gnomAD 0.02%). This variant has not been reported in the literature in individuals affected with GATA2-related conditions. ClinVar contains an entry for this variant (Variation ID: 664366). Invitae Evidence Modeling of protein sequence and biophysical properties (such as structural, functional, and spatial information, amino acid conservation, physicochemical variation, residue mobility, and thermodynamic stability) has been performed for this missense variant. However, the output from this modeling did not meet the statistical confidence thresholds required to predict the impact of this variant on GATA2 protein function. In summary, the available evidence is currently insufficient to determine the role of this variant in disease. Therefore, it has been classified as a Variant of Uncertain Significance.

Ambry Genetics
Classification: Likely benign for Inborn genetic diseases. Last evaluated: 2024-07-19. Review status: criteria provided, single submitter. Criteria: Ambry Variant Classification Scheme 2023. Collection method: clinical testing. Allele origin: germline.

NM_032638.5(GATA2):c.1415C>T (p.Pro472Leu)

Gene: GATA2 (GATA binding protein 2; minus strand). Cytogenetic location: 3q21.3.
Variant type: single nucleotide variant.
Coding change: c.1415C>T on transcript NM_032638.5 (MANE Select); coding-DNA position 1415, C replaced by T.
Protein change: p.Pro472Leu; replaces proline 472 with leucine.
Molecular consequence: missense variant.
Genome position (GRCh38, 1-based): chr3:128,481,047, G>A on the plus strand (C>T on the coding strand, the complement: GATA2 is on the minus strand). VCF-style: chr3-128481047-G-A. GRCh37 (hg19) VCF-style: chr3-128199890-G-A.
Other names: c.1415C>T, p.Pro472Leu (NM_001145661.2); c.1373C>T, p.Pro458Leu (NM_001145662.1); short protein forms P458L, P472L.
Identifiers: ClinVar variation 664366 (VCV000664366.10), dbSNP rs779338723, ClinGen allele CA500008.
Genomic context (GRCh38, chr3:128,481,047, plus strand): 5'-GGAGTGCCCGGTCCTCGACGTCCATCTGTTCCCTAGCCCATGGCGGTCACCATGCTGGAC[G>A]GGTGGGGGTGGCCGAAGGAGAGGCTGGAGGAGGGGTGGATGGGCGTCGGAGTGGGCAGGA-3'
Protein context (NP_116027.2, residues 462-480): SSSLSFGHPH[Pro472Leu]SSMVTAMG